The following is an entry in ClinVar:

ClinVar aggregate classification (germline): Uncertain significance. Review status: criteria provided, multiple submitters, no conflicts (2 of 4 stars). 2 submissions from 2 submitters: Uncertain significance (2). Last evaluated 2025-05-01.

Conditions:
Primary ciliary dyskinesia. Also called: Ciliary dyskinesia. Identifiers: Orphanet 244, MedGen C0008780, MONDO:0016575, HP:0012265.

Allele frequency attached by ClinVar (database versions not stated): gnomAD 0.00005 and 0.00006; TOPMed 0.00005; ExAC 0.00006; gnomAD exomes 0.00006.
gnomAD v4.1: 64 of 1,614,048 alleles (0.004%); highest among the groups gnomAD compares: Admixed American, 0.03%; no homozygotes.

Submissions (2):

Ambry Genetics
Classification: Uncertain significance for Primary ciliary dyskinesia. Last evaluated: 2025-05-01. Review status: criteria provided, single submitter. Criteria: Ambry Variant Classification Scheme 2023. Collection method: clinical testing. Allele origin: germline.

Labcorp Genetics (formerly Invitae), Labcorp
Classification: Uncertain significance for Primary ciliary dyskinesia. Last evaluated: 2022-08-23. Review status: criteria provided, single submitter. Criteria: Invitae Variant Classification Sherloc (09022015). Collection method: clinical testing. Allele origin: germline.
Comment: This sequence change replaces proline, which is neutral and non-polar, with threonine, which is neutral and polar, at codon 90 of the RSPH4A protein (p.Pro90Thr). This variant is present in population databases (rs530756069, gnomAD 0.03%). This variant has not been reported in the literature in individuals affected with RSPH4A-related conditions. ClinVar contains an entry for this variant (Variation ID: 1382355). Algorithms developed to predict the effect of missense changes on protein structure and function (SIFT, PolyPhen-2, Align-GVGD) all suggest that this variant is likely to be tolerated. In summary, the available evidence is currently insufficient to determine the role of this variant in disease. Therefore, it has been classified as a Variant of Uncertain Significance.

NM_001010892.3(RSPH4A):c.268C>A (p.Pro90Thr)

Gene: RSPH4A (radial spoke head component 4A; plus strand). Cytogenetic location: 6q22.1.
Variant type: single nucleotide variant.
Coding change: c.268C>A on transcript NM_001010892.3 (MANE Select); coding-DNA position 268, C replaced by A.
Protein change: p.Pro90Thr; replaces proline 90 with threonine.
Molecular consequence: missense variant.
Genome position (GRCh38, 1-based): chr6:116,616,891, C>A. VCF-style: chr6-116616891-C-A. GRCh37 (hg19) VCF-style: chr6-116938054-C-A.
Other names: c.268C>A, p.Pro90Thr (NM_001161664.2); c.268C>A (NM_001010892.2); short protein forms P90T.
Identifiers: ClinVar variation 1382355 (VCV001382355.7), dbSNP rs530756069, ClinGen allele CA3970734.